The following is an entry in ClinVar:

ClinVar aggregate classification (germline): Likely benign (1 of 4 stars; one submission).

Submission:

CeGaT Center for Human Genetics Tuebingen
Classification: Likely benign. Last evaluated: 2025-03-01. Review status: criteria provided, single submitter. Criteria: CeGaT Center For Human Genetics Tuebingen Variant Classification Criteria Version 2. Collection method: clinical testing. Allele origin: germline. Affected: yes. Observed: 1 variant allele.
Comment: ICAM3: PM2:Supporting, BP4, BP7

NM_002162.5(ICAM3):c.504G>A (p.Glu168=)

Gene: ICAM3 (intercellular adhesion molecule 3; minus strand). Cytogenetic location: 19p13.2.
Variant type: single nucleotide variant.
Coding change: c.504G>A on transcript NM_002162.5 (MANE Select); coding-DNA position 504, G replaced by A.
Protein change: p.Glu168=; no amino-acid change (glutamic acid 168 retained).
Molecular consequence: synonymous variant. On other transcripts: 5 prime UTR variant (1).
Genome position (GRCh38, 1-based): chr19:10,335,816, C>T on the plus strand (G>A on the coding strand, the complement: ICAM3 is on the minus strand). VCF-style: chr19-10335816-C-T. GRCh37 (hg19) VCF-style: chr19-10446492-C-T.
Other names: c.504G>A, p.Glu168= (NM_001320605.2); c.273G>A, p.Glu91= (NM_001320606.2); c.-597G>A (NM_001320608.2).
Identifiers: ClinVar variation 3778452 (VCV003778452.7).